The following is an entry in ClinVar:

ClinVar aggregate classification (germline): Uncertain significance (1 of 4 stars; one submission).

gnomAD v4.1: 1 of 1,614,222 alleles (0.000062%); highest among the groups gnomAD compares: African/African-American, 0.0013%; no homozygotes.

Submission:

GeneDx
Classification: Uncertain significance. Last evaluated: 2024-04-12. Review status: criteria provided, single submitter. Criteria: GeneDx Variant Classification Process June 2021. Collection method: clinical testing. Allele origin: germline. Affected: yes.
Comment: Not observed at significant frequency in large population cohorts (gnomAD); In silico analysis supports that this missense variant has a deleterious effect on protein structure/function; Has not been previously published as pathogenic or benign to our knowledge

NM_006186.4(NR4A2):c.1570G>C (p.Val524Leu)

Gene: NR4A2 (nuclear receptor subfamily 4 group A member 2; minus strand). Cytogenetic location: 2q24.1.
Variant type: single nucleotide variant.
Coding change: c.1570G>C on transcript NM_006186.4 (MANE Select); coding-DNA position 1570, G replaced by C.
Protein change: p.Val524Leu; replaces valine 524 with leucine.
Molecular consequence: missense variant.
Genome position (GRCh38, 1-based): chr2:156,325,971, C>G on the plus strand (G>C on the coding strand, the complement: NR4A2 is on the minus strand). VCF-style: chr2-156325971-C-G. GRCh37 (hg19) VCF-style: chr2-157182483-C-G.
Other names: c.1381G>C, p.Val461Leu (NM_173173.3); short protein forms V461L, V524L.
Identifiers: ClinVar variation 3372349 (VCV003372349.1).